The following is an entry in ClinVar:

ClinVar aggregate classification (germline): Likely benign. Review status: criteria provided, multiple submitters, no conflicts (2 of 4 stars). 3 submissions from 3 submitters: Likely benign (3). Last evaluated 2025-11-12.

Conditions:
Familial hypercholesterolemia. Also called: Familial hypercholesterolemias; Familial hypercholesterolaemia. Identifiers: MedGen C0020445, MONDO:0005439.
Hypercholesterolemia, autosomal dominant, 3 (FHCL3). Also called: Familial Hypercholesterolemia, Autosomal Dominant, 3; PCSK9-Related Familial Hypercholesterolemia, Autosomal Dominant; Familial hypercholesterolemia 3. Identifiers: MedGen C1863551, MONDO:0011369, OMIM 603776.

Allele frequency attached by ClinVar (database versions not stated): ExAC 0.00001; gnomAD exomes 0.00002 and 0.00005; TOPMed 0.00002; gnomAD 0.00003 and 0.00004.
gnomAD v4.1: 80 of 1,612,104 alleles (0.005%); highest among the groups gnomAD compares: Non-Finnish European, 0.0061%; no homozygotes.

Submissions (3):

Labcorp Genetics (formerly Invitae), Labcorp
Classification: Likely benign for Hypercholesterolemia, autosomal dominant, 3. Last evaluated: 2025-11-12. Review status: criteria provided, single submitter. Criteria: Invitae Variant Classification Sherloc (09022015). Collection method: clinical testing. Allele origin: germline.

All of Us Research Program, National Institutes of Health
Classification: Likely benign for Hypercholesterolemia, autosomal dominant, 3. Last evaluated: 2023-12-01. Review status: criteria provided, single submitter. Criteria: ACMG Guidelines, 2015. Collection method: clinical testing. Allele origin: germline. Inheritance: Autosomal dominant inheritance. Observed: 6 variant alleles, 6 heterozygotes.
Comment: This study involves interpretation of variants in research participants for the purpose of population health screening. Participant phenotype was not available at the time of variant classification. Additional details can be found in publication PMID: 35346344, PMCID: PMC8962531

Color Diagnostics, LLC DBA Color Health
Classification: Likely benign for Familial hypercholesterolemias. Last evaluated: 2018-10-09. Review status: criteria provided, single submitter. Criteria: ACMG Guidelines, 2015. Collection method: clinical testing. Allele origin: germline.

NM_174936.4(PCSK9):c.1355-12C>T

Gene: PCSK9 (proprotein convertase subtilisin/kexin type 9; plus strand). Cytogenetic location: 1p32.3.
Variant type: single nucleotide variant.
Coding change: c.1355-12C>T on transcript NM_174936.4 (MANE Select); 12 bases into the intron before coding-DNA position 1355, C replaced by T.
Molecular consequence: intron variant.
Genome position (GRCh38, 1-based): chr1:55,058,487, C>T. VCF-style: chr1-55058487-C-T. GRCh37 (hg19) VCF-style: chr1-55524160-C-T.
Identifiers: ClinVar variation 630160 (VCV000630160.6), dbSNP rs28362267, ClinGen allele CA036538.